The following is an entry in ClinVar:

ClinVar aggregate classification (germline): Uncertain significance (1 of 4 stars; one submission).

Allele frequency attached by ClinVar (database versions not stated): gnomAD exomes below 0.00001.
gnomAD v4.1: 2 of 1,609,246 alleles (0.00012%); highest among the groups gnomAD compares: African/African-American, 0.0027%; no homozygotes.

Submission:

Labcorp Genetics (formerly Invitae), Labcorp
Classification: Uncertain significance. Last evaluated: 2023-10-27. Review status: criteria provided, single submitter. Criteria: Invitae Variant Classification Sherloc (09022015). Collection method: clinical testing. Allele origin: germline.
Comment: This sequence change replaces arginine, which is basic and polar, with tryptophan, which is neutral and slightly polar, at codon 24 of the HPS3 protein (p.Arg24Trp). This variant is not present in population databases (gnomAD no frequency). This variant has not been reported in the literature in individuals affected with HPS3-related conditions. Advanced modeling of protein sequence and biophysical properties (such as structural, functional, and spatial information, amino acid conservation, physicochemical variation, residue mobility, and thermodynamic stability) performed at Invitae indicates that this missense variant is expected to disrupt HPS3 protein function with a positive predictive value of 80%. In summary, the available evidence is currently insufficient to determine the role of this variant in disease. Therefore, it has been classified as a Variant of Uncertain Significance.

NM_032383.5(HPS3):c.70C>T (p.Arg24Trp)

Gene: HPS3 (HPS3 biogenesis of lysosomal organelles complex 2 subunit 1; plus strand). Cytogenetic location: 3q24.
Variant type: single nucleotide variant.
Coding change: c.70C>T on transcript NM_032383.5 (MANE Select); coding-DNA position 70, C replaced by T.
Protein change: p.Arg24Trp; replaces arginine 24 with tryptophan.
Molecular consequence: missense variant.
Genome position (GRCh38, 1-based): chr3:149,129,793, C>T. VCF-style: chr3-149129793-C-T. GRCh37 (hg19) VCF-style: chr3-148847580-C-T.
Other names: c.70C>T, p.Arg24Trp (NM_001308258.2); short protein forms R24W.
Identifiers: ClinVar variation 2971166 (VCV002971166.3), dbSNP rs1314424927, ClinGen allele CA354906447.